The following is an entry in ClinVar:

NM_004960.4(FUS):c.1504del (p.Asp502fs)

Gene: FUS (FUS RNA binding protein; plus strand). Cytogenetic location: 16p11.2.
Variant type: Deletion.
Coding change: c.1504del on transcript NM_004960.4 (MANE Select); coding-DNA position 1504, one base deleted (G; older notation c.1504delG).
Protein change: p.Asp502fs; shifts the reading frame from aspartic acid 502.
Molecular consequence: frameshift variant. On other transcripts: non-coding transcript variant (1).
Genome position (GRCh38, 1-based): chr16:31,191,073, G deleted; the last of 4 consecutive G bases (chr16:31,191,070-31,191,073); deleting any one gives the same sequence. VCF-style (leftmost placement, unchanged base first): chr16-31191069-TG-T. GRCh37 (hg19) VCF-style: chr16-31202390-TG-T.
Other names: c.1501del, p.Asp501fs (NM_001170634.1); c.1492del, p.Asp498fs (NM_001170937.1); c.1504delG (NM_004960.3); c.1504del (NM_004960.3); short protein forms D501fs, D502fs, D498fs.
Identifiers: ClinVar variation 521661 (VCV000521661.5), dbSNP rs1161032867, ClinGen allele CA658798600.

ClinVar aggregate classification (germline): Pathogenic/Likely pathogenic. Review status: criteria provided, multiple submitters, no conflicts (2 of 4 stars). 2 submissions from 2 submitters: Pathogenic (1); Likely pathogenic (1). Last evaluated 2024-10-28.

Conditions:
Inborn genetic diseases. Identifiers: MedGen C0950123, MeSH D030342.

Submissions (2):

GeneDx
Classification: Likely pathogenic. Last evaluated: 2024-10-28. Review status: criteria provided, single submitter. Criteria: GeneDx Variant Classification Process June 2021. Collection method: clinical testing. Allele origin: germline. Affected: yes.
Comment: Frameshift variant predicted to result in abnormal protein length as the last 25 amino acids are replaced with 26 different amino acids, and other similar variants have been reported in HGMD; Not observed at significant frequency in large population cohorts (gnomAD); This variant is associated with the following publications: (PMID: 36883643, 26362943)

Ambry Genetics
Classification: Pathogenic for Inborn genetic diseases. Last evaluated: 2017-04-18. Review status: criteria provided, single submitter. Criteria: Ambry exome assertion method (8-5-2015). Collection method: clinical testing. Allele origin: germline. Affected: yes. Observed: 1 variant allele.